The following is an entry in ClinVar:

ClinVar aggregate classification (germline): Likely benign. Review status: criteria provided, single submitter (1 of 4 stars). 2 submissions from 2 submitters: Likely benign (1). 1 of the submissions does not count toward it. Last evaluated 2023-07-01.

Conditions:
KMT2D-related disorder. Also called: KMT2D-Related Disorders.

Allele frequency attached by ClinVar (database versions not stated): gnomAD exomes below 0.00001; ExAC 0.00001.
gnomAD v4.1: 6 of 1,603,672 alleles (0.00037%); highest among the groups gnomAD compares: South Asian, 0.0055%; no homozygotes.

Submissions (2):

CeGaT Center for Human Genetics Tuebingen
Classification: Likely benign. Last evaluated: 2023-07-01. Review status: criteria provided, single submitter. Criteria: CeGaT Center For Human Genetics Tuebingen Variant Classification Criteria Version 2. Collection method: clinical testing. Allele origin: germline. Affected: yes. Observed: 1 variant allele.
Comment: KMT2D: BP4, BP7

PreventionGenetics, part of Exact Sciences
Classification: Likely benign for KMT2D-related condition. Last evaluated: 2022-01-21. Review status: no assertion criteria provided. Collection method: clinical testing. Allele origin: germline. Not counted in ClinVar's aggregate classification.
Comment: This variant is classified as likely benign based on ACMG/AMP sequence variant interpretation guidelines (Richards et al. 2015 PMID: 25741868, with internal and published modifications).

NM_003482.4(KMT2D):c.6783T>C (p.Pro2261=)

Gene: KMT2D (lysine methyltransferase 2D; minus strand). Cytogenetic location: 12q13.12.
Variant type: single nucleotide variant.
Coding change: c.6783T>C on transcript NM_003482.4 (MANE Select); coding-DNA position 6783, T replaced by C.
Protein change: p.Pro2261=; no amino-acid change (proline 2261 retained).
Molecular consequence: synonymous variant.
Genome position (GRCh38, 1-based): chr12:49,040,987, A>G on the plus strand (T>C on the coding strand, the complement: KMT2D is on the minus strand). VCF-style: chr12-49040987-A-G. GRCh37 (hg19) VCF-style: chr12-49434770-A-G.
Identifiers: ClinVar variation 2642956 (VCV002642956.25), dbSNP rs781460096, ClinGen allele CA6547180.
Genomic context (GRCh38, chr12:49,040,987, plus strand): 5'-GGACTCCCCAAAAGGTGGGGGCGAGAGCAGGGGCTCGGAAGCTTTGCCTCCCCCTACCCC[A>G]GGGCTCTCAGGCACAGCCAAGTTATCCAGCGAGGGGCAGCGGGGTTTGAGGAATGGGTCA-3'
Protein context (NP_003473.3, residues 2251-2271): SLDNLAVPES[Pro2261=]GVGGGKASEP